The following is an entry in ClinVar:

NM_003384.3(VRK1):c.203G>A (p.Cys68Tyr)

Gene: VRK1 (VRK serine/threonine kinase 1; plus strand). Cytogenetic location: 14q32.2.
Variant type: single nucleotide variant.
Coding change: c.203G>A on transcript NM_003384.3 (MANE Select); coding-DNA position 203, G replaced by A.
Protein change: p.Cys68Tyr; replaces cysteine 68 with tyrosine.
Molecular consequence: missense variant.
Genome position (GRCh38, 1-based): chr14:96,837,804, G>A. VCF-style: chr14-96837804-G-A. GRCh37 (hg19) VCF-style: chr14-97304141-G-A.
Other names: short protein forms C68Y.
Identifiers: ClinVar variation 1039944 (VCV001039944.7), dbSNP rs768889718, ClinGen allele CA7338881.

ClinVar aggregate classification (germline): Uncertain significance (1 of 4 stars; one submission).

Conditions:
Pontocerebellar hypoplasia type 1A (PCH1A). Also called: PONTOCEREBELLAR HYPOPLASIA WITH ANTERIOR HORN CELL DISEASE; PONTOCEREBELLAR HYPOPLASIA WITH INFANTILE SPINAL MUSCULAR ATROPHY. Identifiers: Orphanet 2254, Orphanet 88616, MedGen C1843504, MONDO:0011866, OMIM 607596.

Allele frequency attached by ClinVar (database versions not stated): ExAC 0.00001; gnomAD exomes 0.00001.
gnomAD v4.1: 7 of 1,556,138 alleles (0.00045%); highest among the groups gnomAD compares: Non-Finnish European, 0.00061%; no homozygotes.

Submission:

Labcorp Genetics (formerly Invitae), Labcorp
Classification: Uncertain significance for Pontocerebellar hypoplasia type 1A. Last evaluated: 2022-06-20. Review status: criteria provided, single submitter. Criteria: Invitae Variant Classification Sherloc (09022015). Collection method: clinical testing. Allele origin: germline.
Comment: This sequence change replaces cysteine, which is neutral and slightly polar, with tyrosine, which is neutral and polar, at codon 68 of the VRK1 protein (p.Cys68Tyr). This variant is present in population databases (rs768889718, gnomAD 0.002%). This variant has not been reported in the literature in individuals affected with VRK1-related conditions. ClinVar contains an entry for this variant (Variation ID: 1039944). Algorithms developed to predict the effect of missense changes on protein structure and function output the following: SIFT: "Tolerated"; PolyPhen-2: "Benign"; Align-GVGD: "Class C0". The tyrosine amino acid residue is found in multiple mammalian species, which suggests that this missense change does not adversely affect protein function. In summary, the available evidence is currently insufficient to determine the role of this variant in disease. Therefore, it has been classified as a Variant of Uncertain Significance.